The following is an entry in ClinVar:

NM_000135.4(FANCA):c.2143G>A (p.Glu715Lys)

Gene: FANCA (FA complementation group A; minus strand). Cytogenetic location: 16q24.3.
Variant type: single nucleotide variant.
Coding change: c.2143G>A on transcript NM_000135.4 (MANE Select); coding-DNA position 2143, G replaced by A.
Protein change: p.Glu715Lys; replaces glutamic acid 715 with lysine.
Molecular consequence: missense variant.
Genome position (GRCh38, 1-based): chr16:89,771,686, C>T on the plus strand (G>A on the coding strand, the complement: FANCA is on the minus strand). VCF-style: chr16-89771686-C-T. GRCh37 (hg19) VCF-style: chr16-89838094-C-T.
Other names: c.2143G>A, p.Glu715Lys (NM_001286167.3); short protein forms E715K.
Identifiers: ClinVar variation 2149184 (VCV002149184.1), dbSNP rs781436006, ClinGen allele CA397447922.

ClinVar aggregate classification (germline): Uncertain significance (1 of 4 stars; one submission).

Conditions:
Fanconi anemia (FA). Also called: Fanconi's anemia. Identifiers: Orphanet 84, MedGen C0015625, MeSH D005199, MONDO:0019391.

Allele frequency attached by ClinVar (database versions not stated): gnomAD exomes below 0.00001.
gnomAD v4.1: 3 of 1,614,146 alleles (0.00019%); highest among the groups gnomAD compares: Non-Finnish European, 0.00025%; no homozygotes.

Submission:

Labcorp Genetics (formerly Invitae), Labcorp
Classification: Uncertain significance for Fanconi anemia. Last evaluated: 2022-05-27. Review status: criteria provided, single submitter. Criteria: Invitae Variant Classification Sherloc (09022015). Collection method: clinical testing. Allele origin: germline.
Comment: This sequence change replaces glutamic acid, which is acidic and polar, with lysine, which is basic and polar, at codon 715 of the FANCA protein (p.Glu715Lys). This variant is present in population databases (no rsID available, gnomAD 0.0009%). This variant has not been reported in the literature in individuals affected with FANCA-related conditions. Advanced modeling of protein sequence and biophysical properties (such as structural, functional, and spatial information, amino acid conservation, physicochemical variation, residue mobility, and thermodynamic stability) performed at Invitae indicates that this missense variant is not expected to disrupt FANCA protein function. In summary, the available evidence is currently insufficient to determine the role of this variant in disease. Therefore, it has been classified as a Variant of Uncertain Significance.